The following is an entry in ClinVar:

ClinVar aggregate classification (germline): Conflicting classifications of pathogenicity. Review status: criteria provided, conflicting classifications (1 of 4 stars). 2 submissions from 2 submitters: Uncertain significance (1); Likely benign (1). Last evaluated 2025-10-11.

Conditions:
Inborn genetic diseases. Identifiers: MedGen C0950123, MeSH D030342.
Developmental and epileptic encephalopathy, 31A. Also called: Developmental and epileptic encephalopathy, 31; Epileptic encephalopathy, early infantile, 31. Identifiers: Orphanet 2382, MedGen C4225357, MONDO:0014598, OMIM 616346.

Submissions (2):

Labcorp Genetics (formerly Invitae), Labcorp
Classification: Likely benign for Developmental and epileptic encephalopathy, 31A. Last evaluated: 2025-10-11. Review status: criteria provided, single submitter. Criteria: Invitae Variant Classification Sherloc (09022015). Collection method: clinical testing. Allele origin: germline.

Ambry Genetics
Classification: Uncertain significance for Inborn genetic diseases. Last evaluated: 2018-07-27. Review status: criteria provided, single submitter. Criteria: Ambry Variant Classification Scheme 2023. Collection method: clinical testing. Allele origin: germline.
Comment: The c.263_264delGAinsCT variant, located in coding exon 3 of the DNM1 gene, results from an in-frame deletion of GA and insertion of CT at nucleotide positions 263 to 264. This results in the substitution of the glycine residue for an alanine residue at codon 88, an amino acid with similar properties. This amino acid position is highly conserved in available vertebrate species. Since supporting evidence is limited at this time, the clinical significance of this alteration remains unclear.

NM_004408.4(DNM1):c.263_264delinsCT (p.Gly88Ala)

Genes: DNM1 (dynamin 1; plus strand), LOC113839516 (Sharpr-MPRA regulatory region 8497; plus strand). Cytogenetic location: 9q34.11.
Variant type: Indel.
Coding change: c.263_264delinsCT on transcript NM_004408.4 (MANE Select); coding-DNA positions 263 to 264, GA replaced by CT.
Protein change: p.Gly88Ala; replaces glycine 88 with alanine.
Molecular consequence: missense variant.
Genome position (GRCh38, 1-based): chr9:128,218,609-128,218,610, GA replaced by CT. VCF-style: chr9-128218609-GA-CT. GRCh37 (hg19) VCF-style: chr9-130980888-GA-CT.
Other names: c.263_264delinsCT, p.Gly88Ala (NM_001005336.3, NM_001288737.2, NM_001288738.2 and 2 more transcripts); short protein forms G88A.
Identifiers: ClinVar variation 1569925 (VCV001569925.10), dbSNP rs2131150312, ClinGen allele CA2573143996.